The following is an entry in ClinVar:

ClinVar aggregate classification (germline): Likely pathogenic. Review status: criteria provided, multiple submitters, no conflicts (2 of 4 stars). 4 submissions from 4 submitters: Likely pathogenic (3). 1 of the submissions does not count toward it. Last evaluated 2023-09-01.

Conditions:
Poikiloderma with neutropenia (PN). Identifiers: Orphanet 221046, MedGen C1858723, MONDO:0011405, OMIM 604173.
USB1-related disorder. Also called: USB1-related condition.

Allele frequency attached by ClinVar (database versions not stated): gnomAD below 0.00001 and 0.00001.
gnomAD v4.1: 5 of 1,613,600 alleles (0.00031%); highest among the groups gnomAD compares: South Asian, 0.0055%; no homozygotes.

Submissions (4):

CeGaT Center for Human Genetics Tuebingen
Classification: Likely pathogenic. Last evaluated: 2023-09-01. Review status: criteria provided, single submitter. Criteria: CeGaT Center For Human Genetics Tuebingen Variant Classification Criteria Version 2. Collection method: clinical testing. Allele origin: germline. Affected: yes. Observed: 2 variant alleles.
Comment: USB1: PM1, PM2, PM3, PP4

Blueprint Genetics
Classification: Likely pathogenic for USB1-related disorders. Last evaluated: 2022-03-21. Review status: criteria provided, single submitter. Criteria: ACMG Guidelines, 2015. Collection method: clinical testing. Allele origin: germline. Affected: yes. Observed: 1 variant allele.

Victorian Clinical Genetics Services, Murdoch Childrens Research Institute
Classification: Likely pathogenic for Poikiloderma with neutropenia. Last evaluated: 2020-05-25. Review status: criteria provided, single submitter. Criteria: ACMG Guidelines, 2015. Collection method: clinical testing. Allele origin: germline. Inheritance: Autosomal recessive inheritance. Affected: yes.
Comment: Based on the classification scheme VCGS_Germline_v1.1.1, this variant is classified as LIKELY PATHOGENIC. Following criteria are met: 0102 - Loss-of-function is a known mechanism of disease for this gene. (N) 0106 - This gene is known to be associated with autosomal recessive disease. (N) 0200 - Variant is predicted to result in a missense amino acid change from a histidine to an arginine (exon 6). (N) 0252 - Variant is homozygous. (N) 0304 - Variant is present in gnomAD <0.01 for a recessive condition (2 heterozygotes, 0 homozygotes) (P) 0309 - An alternative amino acid change at the same position has been observed in gnomAD (1 heterozygote, 0 homozygotes). (N) 0501 - Missense variant consistently predicted to be damaging by multiple in silico tools and highly conserved with a minor amino acid change. (P) 0601 - Variant affects a residue within the catalytic site, which has been shown to be involved in digesting RNA substrates (PMID: 23190533). (P) 0705 - No comparable variants have previous evidence for pathogenicity. (N) 0802 - Moderate previous evidence of pathogenicity in unrelated individuals. (PMID: 27612988, 29982244) (P) 0905 - No segregation evidence has been identified for this variant. (N) 1007 - No published functional evidence has been identified for this variant. (N) 1208 - Inheritance information for this variant is not currently available. (N) Legend: (P) - Pathogenic, (N) - Neutral, (B) - Benign

GeneReviews
No classification provided. Condition: Poikiloderma with neutropenia. Review status: no classification provided. Collection method: literature only. Allele origin: germline. Not counted in ClinVar's aggregate classification.

Literature cited by the submitters: PubMed 23190533 (cited by Victorian Clinical Genetics Services, Murdoch Childrens Research Institute); PubMed 27612988 (cited by Victorian Clinical Genetics Services, Murdoch Childrens Research Institute); PubMed 29982244 (cited by Victorian Clinical Genetics Services, Murdoch Childrens Research Institute); NCBI Bookshelf NBK459118 (cited by GeneReviews); PubMed 29072891 (cited by GeneReviews).

NM_024598.4(USB1):c.623A>G (p.His208Arg)

Gene: USB1 (U6 snRNA biogenesis phosphodiesterase 1; plus strand). Cytogenetic location: 16q21.
Variant type: single nucleotide variant.
Coding change: c.623A>G on transcript NM_024598.4 (MANE Select); coding-DNA position 623, A replaced by G.
Protein change: p.His208Arg; replaces histidine 208 with arginine.
Molecular consequence: missense variant.
Genome position (GRCh38, 1-based): chr16:58,018,985, A>G. VCF-style: chr16-58018985-A-G. GRCh37 (hg19) VCF-style: chr16-58052889-A-G.
Other names: c.569A>G, p.His190Arg (NM_001195302.2); c.470A>G, p.His157Arg (NM_001330568.2); short protein forms H157R, H190R, H208R.
Identifiers: ClinVar variation 496747 (VCV000496747.29), dbSNP rs1249059283, ClinGen allele CA396130121.